The following is an entry in ClinVar:

NM_001084.5(PLOD3):c.221A>G (p.Glu74Gly)

Gene: PLOD3 (procollagen-lysine,2-oxoglutarate 5-dioxygenase 3; minus strand). Cytogenetic location: 7q22.1.
Variant type: single nucleotide variant.
Coding change: c.221A>G on transcript NM_001084.5 (MANE Select); coding-DNA position 221, A replaced by G.
Protein change: p.Glu74Gly; replaces glutamic acid 74 with glycine.
Molecular consequence: missense variant.
Genome position (GRCh38, 1-based): chr7:101,216,527, T>C on the plus strand (A>G on the coding strand, the complement: PLOD3 is on the minus strand). VCF-style: chr7-101216527-T-C. GRCh37 (hg19) VCF-style: chr7-100859808-T-C.
Other names: short protein forms E74G.
Identifiers: ClinVar variation 3619894 (VCV003619894.2).

ClinVar aggregate classification (germline): Uncertain significance (1 of 4 stars; one submission).

gnomAD v4.1: 9 of 1,613,806 alleles (0.00056%); highest among the groups gnomAD compares: Non-Finnish European, 0.00076%; no homozygotes.

Submission:

Labcorp Genetics (formerly Invitae), Labcorp
Classification: Uncertain significance. Last evaluated: 2024-06-08. Review status: criteria provided, single submitter. Criteria: Invitae Variant Classification Sherloc (09022015). Collection method: clinical testing. Allele origin: germline.
Comment: This sequence change replaces glutamic acid, which is acidic and polar, with glycine, which is neutral and non-polar, at codon 74 of the PLOD3 protein (p.Glu74Gly). This variant is not present in population databases (gnomAD no frequency). This variant has not been reported in the literature in individuals affected with PLOD3-related conditions. An algorithm developed to predict the effect of missense changes on protein structure and function (PolyPhen-2) suggests that this variant is likely to be tolerated. Algorithms developed to predict the effect of sequence changes on RNA splicing suggest that this variant may disrupt the consensus splice site. In summary, the available evidence is currently insufficient to determine the role of this variant in disease. Therefore, it has been classified as a Variant of Uncertain Significance.